The following is an entry in ClinVar:

NM_031935.3(HMCN1):c.11424G>A (p.Pro3808=)

Gene: HMCN1 (hemicentin 1; plus strand). Cytogenetic location: 1q31.1.
Variant type: single nucleotide variant.
Coding change: c.11424G>A on transcript NM_031935.3 (MANE Select); coding-DNA position 11424, G replaced by A.
Protein change: p.Pro3808=; no amino-acid change (proline 3808 retained).
Molecular consequence: synonymous variant.
Genome position (GRCh38, 1-based): chr1:186,115,277, G>A. VCF-style: chr1-186115277-G-A. GRCh37 (hg19) VCF-style: chr1-186084409-G-A.
Identifiers: ClinVar variation 4762807 (VCV004762807.1).
Genomic context (GRCh38, chr1:186,115,277, plus strand): 5'-TGCTGACTGTGTTTCCTTCTTATTTGGTGACATTGTCTTAGTTCCTCCATCTATTGCTCC[G>A]GGTCCTACCAACATGACTGTAATAGTAAATGTTCAAACTACTCTGGCTTGTGAGGCTACT-3'
Protein context (NP_114141.2, residues 3798-3818): LQVHVPPSIA[Pro3808=]GPTNMTVIVN

ClinVar aggregate classification (germline): Uncertain significance (1 of 4 stars; one submission).

gnomAD v4.1: 24 of 1,613,924 alleles (0.0015%); highest among the groups gnomAD compares: East Asian, 0.0067%; no homozygotes.

Submission:

Labcorp Genetics (formerly Invitae), Labcorp
Classification: Uncertain significance. Last evaluated: 2025-02-23. Review status: criteria provided, single submitter. Criteria: Invitae Variant Classification Sherloc (09022015). Collection method: clinical testing. Allele origin: germline.
Comment: This sequence change affects codon 3808 of the HMCN1 mRNA. It is a 'silent' change, meaning that it does not change the encoded amino acid sequence of the HMCN1 protein. This variant is present in population databases (rs753248301, gnomAD 0.003%). This variant has not been reported in the literature in individuals affected with HMCN1-related conditions. Algorithms developed to predict the effect of sequence changes on RNA splicing suggest that this variant may disrupt the consensus splice site. In summary, the available evidence is currently insufficient to determine the role of this variant in disease. Therefore, it has been classified as a Variant of Uncertain Significance.